The following is an entry in ClinVar:

NM_001366385.1(CARD14):c.2122A>C (p.Thr708Pro)

Genes: CARD14 (caspase recruitment domain family member 14; plus strand), SGSH (N-sulfoglucosamine sulfohydrolase; minus strand). Cytogenetic location: 17q25.3.
Variant type: single nucleotide variant.
Coding change: c.2122A>C on transcript NM_001366385.1 (MANE Select); coding-DNA position 2122, A replaced by C.
Protein change: p.Thr708Pro; replaces threonine 708 with proline.
Molecular consequence: missense variant. On other transcripts: non-coding transcript variant (1).
Genome position (GRCh38, 1-based): chr17:80,202,323, A>C. VCF-style: chr17-80202323-A-C. GRCh37 (hg19) VCF-style: chr17-78176122-A-C.
Other names: c.2122A>C, p.Thr708Pro (NM_001257970.1, NM_024110.4); short protein forms T708P.
Identifiers: ClinVar variation 837543 (VCV000837543.10), dbSNP rs2041026658, ClinGen allele CA401353745.

ClinVar aggregate classification (germline): Uncertain significance (1 of 4 stars; one submission).

Conditions:
Pityriasis rubra pilaris (PRP). Also called: Pityriasis rubra pilaris--familial type. Identifiers: Orphanet 2897, MedGen C0032027, MONDO:0100017, OMIM 173200, MONDO:0008251.
Psoriasis 2. Identifiers: MedGen C1864497, MONDO:0011269, OMIM 602723.

gnomAD v4.1: 2 of 1,613,680 alleles (0.00012%); no homozygotes.

Submission:

Labcorp Genetics (formerly Invitae), Labcorp
Classification: Uncertain significance for Pityriasis rubra pilaris; Psoriasis 2. Last evaluated: 2020-01-21. Review status: criteria provided, single submitter. Criteria: Invitae Variant Classification Sherloc (09022015). Collection method: clinical testing. Allele origin: germline.
Comment: In summary, the available evidence is currently insufficient to determine the role of this variant in disease. Therefore, it has been classified as a Variant of Uncertain Significance. Algorithms developed to predict the effect of missense changes on protein structure and function (SIFT, PolyPhen-2, Align-GVGD) all suggest that this variant is likely to be disruptive, but these predictions have not been confirmed by published functional studies and their clinical significance is uncertain. This variant has not been reported in the literature in individuals with CARD14-related conditions. This variant is not present in population databases (ExAC no frequency). This sequence change replaces threonine with proline at codon 708 of the CARD14 protein (p.Thr708Pro). The threonine residue is highly conserved and there is a small physicochemical difference between threonine and proline.